The following is an entry in ClinVar:

NM_000152.5(GAA):c.692+2T>C

Gene: GAA (alpha glucosidase; plus strand). Cytogenetic location: 17q25.3.
Variant type: single nucleotide variant.
Coding change: c.692+2T>C on transcript NM_000152.5 (MANE Select); the canonical splice donor site of the intron after coding-DNA position 692, T replaced by C.
Molecular consequence: splice donor variant.
Genome position (GRCh38, 1-based): chr17:80,105,896, T>C. VCF-style: chr17-80105896-T-C. GRCh37 (hg19) VCF-style: chr17-78079695-T-C.
Other names: c.692+2T>C (NM_001406741.1, NM_001406742.1, NM_001079803.3 and 1 more transcripts).
Identifiers: ClinVar variation 553874 (VCV000553874.10), dbSNP rs1555599171, ClinGen allele CA401362651.

ClinVar aggregate classification (germline): Pathogenic/Likely pathogenic. Review status: criteria provided, multiple submitters, no conflicts (2 of 4 stars). 4 submissions from 4 submitters: Pathogenic (2); Likely pathogenic (1). 1 of the submissions does not count toward it. Last evaluated 2026-07-01.

Conditions:
Glycogen storage disease, type II (IOPD). Also called: POMPE DISEASE, INFANTILE-ONSET; GLYCOGEN STORAGE DISEASE II, INFANTILE-ONSET; ACID ALPHA-GLUCOSIDASE DEFICIENCY, INFANTILE-ONSET; GAA DEFICIENCY, INFANTILE-ONSET; ACID MALTASE DEFICIENCY, INFANTILE-ONSET; CARDIOMEGALIA GLYCOGENICA DIFFUSA. Identifiers: Orphanet 365, MedGen C0017921, MONDO:0009290, OMIM 232300.

Submissions (4):

Genomenon, Inc
Classification: Pathogenic for Glycogen storage disease, type II. Last evaluated: 2026-07-01. Review status: criteria provided, single submitter. Criteria: Genomenon Sequence Variant Interpretation Standards - Updated. Collection method: curation. Allele origin: germline.
Comment: GAA c.692+2T>C is a canonical splice variant affecting the donor splice site of intron 3. It is predicted to affect mRNA splicing, leading to a deleterious effect on the GAA protein. This variant has been reported in the compound heterozygous and/or homozygous state in an individual without a confirmed diagnosis of Pompe disease (PMID:17027861). It is absent or not present at a significant frequency in gnomAD. In conclusion, we classify GAA c.692+2T>C as a pathogenic variant.

Baylor Genetics
Classification: Likely pathogenic for Glycogen storage disease, type II. Last evaluated: 2023-12-18. Review status: criteria provided, single submitter. Criteria: ACMG Guidelines, 2015. Collection method: clinical testing. Allele origin: unknown.

Labcorp Genetics (formerly Invitae), Labcorp
Classification: Pathogenic for Glycogen storage disease, type II. Last evaluated: 2023-12-07. Review status: criteria provided, single submitter. Criteria: Invitae Variant Classification Sherloc (09022015). Collection method: clinical testing. Allele origin: germline.
Comment: This sequence change affects a donor splice site in intron 3 of the GAA gene. It is expected to disrupt RNA splicing. Variants that disrupt the donor or acceptor splice site typically lead to a loss of protein function (PMID: 16199547), and loss-of-function variants in GAA are known to be pathogenic (PMID: 18425781, 22252923). This variant is not present in population databases (gnomAD no frequency). Disruption of this splice site has been observed in individuals with Pompe disease (PMID: 16917947). ClinVar contains an entry for this variant (Variation ID: 553874). Algorithms developed to predict the effect of sequence changes on RNA splicing suggest that this variant may disrupt the consensus splice site. For these reasons, this variant has been classified as Pathogenic.

Counsyl
Classification: Likely pathogenic for Glycogen storage disease, type II. Last evaluated: 2017-09-16. Review status: no assertion criteria provided. Collection method: clinical testing. Allele origin: unknown. Not counted in ClinVar's aggregate classification.

Literature cited by the submitters: PubMed 17027861 (cited by Genomenon, Inc); PubMed 16199547 (cited by Labcorp Genetics (formerly Invitae), Labcorp); PubMed 18425781 (cited by Labcorp Genetics (formerly Invitae), Labcorp); PubMed 22252923 (cited by Labcorp Genetics (formerly Invitae), Labcorp); PubMed 16917947 (cited by Labcorp Genetics (formerly Invitae), Labcorp).